The following is an entry in ClinVar:

NM_182961.4(SYNE1):c.23511A>T (p.Gln7837His)

Gene: SYNE1 (spectrin repeat containing nuclear envelope protein 1; minus strand). Cytogenetic location: 6q25.2.
Variant type: single nucleotide variant.
Coding change: c.23511A>T on transcript NM_182961.4 (MANE Select); coding-DNA position 23511, A replaced by T.
Protein change: p.Gln7837His; replaces glutamine 7837 with histidine.
Molecular consequence: missense variant.
Genome position (GRCh38, 1-based): chr6:152,176,510, T>A on the plus strand (A>T on the coding strand, the complement: SYNE1 is on the minus strand). VCF-style: chr6-152176510-T-A. GRCh37 (hg19) VCF-style: chr6-152497645-T-A.
Other names: c.117A>T, p.Gln39His (NM_001347701.2); c.23298A>T, p.Gln7766His (NM_033071.5); short protein forms Q39H, Q7766H, Q7837H.
Identifiers: ClinVar variation 2436698 (VCV002436698.4), dbSNP rs185030521, ClinGen allele CA4053579.
Genomic context (GRCh38, chr6:152,176,510, plus strand): 5'-GTATTCAATCTCAGATGCTTTGCTTTCATGGCTGGCTTTAGCAAGTCGTTCTCCCATTTG[T>A]TGGAGCTGTATTTTGTTCTCTTGAGCAATAGCAATTTCCTCTTGATAATCCTGTGTAATA-3'
Protein context (NP_892006.3, residues 7827-7847): AIAQENKIQL[Gln7837His]QMGERLAKAS

ClinVar aggregate classification (germline): Uncertain significance. Review status: criteria provided, multiple submitters, no conflicts (2 of 4 stars). 2 submissions from 2 submitters: Uncertain significance (2). Last evaluated 2026-03-27.

Allele frequency attached by ClinVar (database versions not stated): 1000 Genomes Project 30x 0.00016; TOPMed below 0.00001; gnomAD 0.00001.
gnomAD v4.1: 5 of 1,614,198 alleles (0.00031%); highest among the groups gnomAD compares: Non-Finnish European, 0.00042%; no homozygotes.

Submissions (2):

GeneDx
Classification: Uncertain significance. Last evaluated: 2026-03-27. Review status: criteria provided, single submitter. Criteria: GeneDx Variant Classification Process June 2021. Collection method: clinical testing. Allele origin: germline.
Comment: Not observed at significant frequency in large population cohorts (gnomAD); In silico analysis supports that this missense variant has a deleterious effect on protein structure/function; Has not been previously published as pathogenic or benign to our knowledge

Revvity Omics, Revvity
Classification: Uncertain significance. Last evaluated: 2019-11-18. Review status: criteria provided, single submitter. Criteria: ACMG Guidelines, 2015. Collection method: clinical testing. Allele origin: germline.